The following is an entry in ClinVar:

NM_152564.5(VPS13B):c.9967dup (p.Tyr3323fs)

Gene: VPS13B (vacuolar protein sorting 13 homolog B; plus strand). Cytogenetic location: 8q22.2.
Variant type: Duplication.
Coding change: c.9967dup on transcript NM_152564.5 (MANE Select); coding-DNA position 9967, one base duplicated (T; older notation c.9967dupT).
Protein change: p.Tyr3323fs; shifts the reading frame from tyrosine 3323.
Molecular consequence: frameshift variant.
Genome position (GRCh38, 1-based): chr8:99,848,800, T duplicated. VCF-style (leftmost placement, unchanged base first): chr8-99848799-C-CT. GRCh37 (hg19) VCF-style: chr8-100861027-C-CT.
Other names: c.10042dup, p.Tyr3348fs (NM_017890.5); short protein forms Y3323fs, Y3348fs.
Identifiers: ClinVar variation 3658479 (VCV003658479.2).
Genomic context (GRCh38, chr8:99,848,799, plus strand): 5'-TTTCTTTTTAATCAGATTTTGAATATTCTTTCTGCAGGTTGTGTTCCTGACTGGCTTTGG[C>CT]TATGTGTATGTGGATGTTGTACATCAGTGTGGCACAGTCTTCATCACTGTGGCCCCAGAA-3'

ClinVar aggregate classification (germline): Pathogenic (1 of 4 stars; one submission).

Conditions:
Cohen syndrome (COH1). Also called: PEPPER SYNDROME; Cutis verticis gyrata, retinitis pigmentosa, and sensorineural deafness. Identifiers: Orphanet 193, MedGen C0265223, MONDO:0008999, OMIM 216550.

Submission:

Labcorp Genetics (formerly Invitae), Labcorp
Classification: Pathogenic for Cohen syndrome. Last evaluated: 2025-09-02. Review status: criteria provided, single submitter. Criteria: Invitae Variant Classification Sherloc (09022015). Collection method: clinical testing. Allele origin: germline.
Comment: This sequence change creates a premature translational stop signal (p.Tyr3348Leufs*41) in the VPS13B gene. It is expected to result in an absent or disrupted protein product. Loss-of-function variants in VPS13B are known to be pathogenic (PMID: 15141358, 16648375, 20461111). This variant is not present in population databases (gnomAD no frequency). This variant has not been reported in the literature in individuals affected with VPS13B-related conditions. ClinVar contains an entry for this variant (Variation ID: 3658479). For these reasons, this variant has been classified as Pathogenic.

Literature cited by the submitters: PubMed 15141358; PubMed 16648375; PubMed 20461111.